The following is an entry in ClinVar:

ClinVar aggregate classification (germline): Uncertain significance (1 of 4 stars; one submission).

Conditions:
Dystonic disorder. Also called: Dystonia. Identifiers: MedGen C0013421, MONDO:0003441, HP:0001332.

Allele frequency attached by ClinVar (database versions not stated): gnomAD exomes below 0.00001.
gnomAD v4.1: 1 of 1,614,196 alleles (0.000062%); highest among the groups gnomAD compares: African/African-American, 0.0013%; no homozygotes.

Submission:

Labcorp Genetics (formerly Invitae), Labcorp
Classification: Uncertain significance for Dystonic disorder. Last evaluated: 2022-10-03. Review status: criteria provided, single submitter. Criteria: Invitae Variant Classification Sherloc (09022015). Collection method: clinical testing. Allele origin: germline.
Comment: In summary, the available evidence is currently insufficient to determine the role of this variant in disease. Therefore, it has been classified as a Variant of Uncertain Significance. Advanced modeling of protein sequence and biophysical properties (such as structural, functional, and spatial information, amino acid conservation, physicochemical variation, residue mobility, and thermodynamic stability) performed at Invitae indicates that this missense variant is not expected to disrupt TOR1A protein function. This variant has not been reported in the literature in individuals affected with TOR1A-related conditions. This variant is not present in population databases (gnomAD no frequency). This sequence change replaces proline, which is neutral and non-polar, with glutamine, which is neutral and polar, at codon 139 of the TOR1A protein (p.Pro139Gln).

NM_000113.3(TOR1A):c.416C>A (p.Pro139Gln)

Gene: TOR1A (torsin family 1 member A; minus strand). Cytogenetic location: 9q34.11.
Variant type: single nucleotide variant.
Coding change: c.416C>A on transcript NM_000113.3 (MANE Select); coding-DNA position 416, C replaced by A.
Protein change: p.Pro139Gln; replaces proline 139 with glutamine.
Molecular consequence: missense variant.
Genome position (GRCh38, 1-based): chr9:129,822,609, G>T on the plus strand (C>A on the coding strand, the complement: TOR1A is on the minus strand). VCF-style: chr9-129822609-G-T. GRCh37 (hg19) VCF-style: chr9-132584888-G-T.
Other names: short protein forms P139Q.
Identifiers: ClinVar variation 1990053 (VCV001990053.4), dbSNP rs535987090, ClinGen allele CA200495170.
Genomic context (GRCh38, chr9:129,822,609, plus strand): 5'-TCCAGGAAGGGATTCCAAACTTCCATCCTTGCCTTGTACAAGGTGATGTTTGAAGCATGT[G>T]GAAAGTGCAATGTGGCCACAAACAGGTGGACATAGTCACTGTTCAGACCACCCTCGTAAA-3'
Protein context (NP_000104.1, residues 129-149): VHLFVATLHF[Pro139Gln]HASNITLYKD